The following is an entry in ClinVar:

NM_000744.7(CHRNA4):c.1208_1209delinsGT (p.Pro403Arg)

Gene: CHRNA4 (cholinergic receptor nicotinic alpha 4 subunit; minus strand). Cytogenetic location: 20q13.33.
Variant type: Indel.
Coding change: c.1208_1209delinsGT on transcript NM_000744.7 (MANE Select); coding-DNA positions 1208 to 1209, CG replaced by GT.
Protein change: p.Pro403Arg; replaces proline 403 with arginine.
Molecular consequence: missense variant. On other transcripts: non-coding transcript variant (1).
Genome position (GRCh38, 1-based): chr20:63,350,202-63,350,203, CG replaced by AC on the plus strand (CG replaced by GT on the coding strand, the reverse complement: CHRNA4 is on the minus strand). VCF-style: chr20-63350202-CG-AC. GRCh37 (hg19) VCF-style: chr20-61981554-CG-AC.
Other names: c.680_681delinsGT, p.Pro227Arg (NM_001256573.2); c.1208_1209delinsGT (NM_000744.6); short protein forms P403R, P227R.
Identifiers: ClinVar variation 1749154 (VCV001749154.3), dbSNP rs2516539535, ClinGen allele CA2580098420.

ClinVar aggregate classification (germline): Uncertain significance. Review status: criteria provided, multiple submitters, no conflicts (2 of 4 stars). 2 submissions from 2 submitters: Uncertain significance (2). Last evaluated 2026-06-11.

Conditions:
CHRNA4-related disorder. Also called: CHRNA4-related condition.
Inborn genetic diseases. Identifiers: MedGen C0950123, MeSH D030342.

Submissions (2):

PreventionGenetics, part of Exact Sciences
Classification: Uncertain significance for CHRNA4-related condition. Last evaluated: 2026-06-11. Review status: criteria provided, single submitter. Criteria: ACMG Guidelines, 2015. Collection method: clinical testing. Allele origin: germline.
Comment: The CHRNA4 c.1208_1209delinsGT variant is predicted to result in an in-frame deletion and insertion. To our knowledge, this variant has not been reported in the literature or in a large population database (gnomAD), indicating this variant is rare. At this time, the clinical significance of this variant is uncertain due to the absence of conclusive functional and genetic evidence.

Ambry Genetics
Classification: Uncertain significance for Inborn genetic diseases. Last evaluated: 2019-08-26. Review status: criteria provided, single submitter. Criteria: Ambry Variant Classification Scheme 2023. Collection method: clinical testing. Allele origin: germline.
Comment: The c.1208_1209delCGinsGT variant, located in coding exon 5 of the CHRNA4 gene, results from an in-frame deletion of CG and insertion of GT at nucleotide positions 1208 to 1209. This results in the substitution of the proline residue for an arginine residue at codon 403, an amino acid with dissimilar properties. This amino acid position is highly conserved in available vertebrate species. In addition, this alteration is predicted to be neutral by in silico analysis (Choi Y et al. PLoS ONE. 2012; 7(10):e46688). Since supporting evidence is limited at this time, the clinical significance of this alteration remains unclear.